The following is an entry in ClinVar:

ClinVar aggregate classification (germline): Uncertain significance (1 of 4 stars; one submission).

Submission:

Labcorp Genetics (formerly Invitae), Labcorp
Classification: Uncertain significance. Last evaluated: 2023-03-23. Review status: criteria provided, single submitter. Criteria: Invitae Variant Classification Sherloc (09022015). Collection method: clinical testing. Allele origin: germline.
Comment: This sequence change replaces methionine, which is neutral and non-polar, with isoleucine, which is neutral and non-polar, at codon 115 of the LONP1 protein (p.Met115Ile). This variant is not present in population databases (gnomAD no frequency). This variant has not been reported in the literature in individuals affected with LONP1-related conditions. An algorithm developed to predict the effect of missense changes on protein structure and function (PolyPhen-2) suggests that this variant is likely to be tolerated. In summary, the available evidence is currently insufficient to determine the role of this variant in disease. Therefore, it has been classified as a Variant of Uncertain Significance.

NM_004793.4(LONP1):c.345G>T (p.Met115Ile)

Genes: LONP1 (lon peptidase 1, mitochondrial; minus strand), LOC130063270 (ATAC-STARR-seq lymphoblastoid silent region 9931; plus strand). Cytogenetic location: 19p13.3.
Variant type: single nucleotide variant.
Coding change: c.345G>T on transcript NM_004793.4 (MANE Select); coding-DNA position 345, G replaced by T.
Protein change: p.Met115Ile; replaces methionine 115 with isoleucine.
Molecular consequence: missense variant. On other transcripts: non-coding transcript variant (1), intron variant (1).
Genome position (GRCh38, 1-based): chr19:5,719,788, C>A on the plus strand (G>T on the coding strand, the complement: LONP1 is on the minus strand). VCF-style: chr19-5719788-C-A. GRCh37 (hg19) VCF-style: chr19-5719799-C-A.
Other names: c.153G>T, p.Met51Ile (NM_001276479.2); c.-160+431G>T (NM_001276480.1); short protein forms M115I, M51I.
Identifiers: ClinVar variation 2848894 (VCV002848894.3), dbSNP rs2145644041, ClinGen allele CA403543503.